The following is an entry in ClinVar:

NM_004304.5(ALK):c.4421dup (p.His1475fs)

Gene: ALK (ALK receptor tyrosine kinase; minus strand). Cytogenetic location: 2p23.2.
Variant type: Duplication.
Coding change: c.4421dup on transcript NM_004304.5 (MANE Select); coding-DNA position 4421, one base duplicated (G; older notation c.4421dupG).
Protein change: p.His1475fs; shifts the reading frame from histidine 1475.
Molecular consequence: frameshift variant.
Genome position (GRCh38, 1-based): chr2:29,193,666, C duplicated on the plus strand (G on the coding strand, the reverse complement: ALK is on the minus strand); the first of 5 consecutive C bases (chr2:29,193,666-29,193,670); duplicating any one gives the same sequence. VCF-style (leftmost placement, unchanged base first): chr2-29193665-T-TC. GRCh37 (hg19) VCF-style: chr2-29416531-T-TC.
Other names: c.1217dup, p.His407fs (NM_001353765.2); short protein forms H1475fs, H407fs.
Identifiers: ClinVar variation 4271014 (VCV004271014.2).

ClinVar aggregate classification (germline): Uncertain significance (1 of 4 stars; one submission).

Conditions:
Hereditary cancer-predisposing syndrome. Also called: Neoplastic Syndromes, Hereditary; Tumor predisposition; Hereditary Cancer Syndrome; Hereditary neoplastic syndrome. Identifiers: Orphanet 140162, MedGen C0027672, MeSH D009386, MONDO:0015356.

Submission:

Ambry Genetics
Classification: Uncertain significance for Hereditary cancer-predisposing syndrome. Last evaluated: 2026-07-30. Review status: criteria provided, single submitter. Criteria: Ambry Variant Classification Scheme 2023. Collection method: clinical testing. Allele origin: germline.
Comment: The c.4421dupG variant, located in coding exon 29 of the ALK gene, results from a duplication of G at nucleotide position 4421, causing a translational frameshift with a predicted alternate stop codon (p.H1475Tfs*46). This variant occurs at the 3' terminus of the gene and is not expected to trigger nonsense-mediated mRNA decay. Based on the available evidence, the clinical significance of this variant remains unclear.